The following is an entry in ClinVar:

NM_005359.6(SMAD4):c.360C>G (p.Asp120Glu)

Gene: SMAD4 (SMAD family member 4; plus strand). Cytogenetic location: 18q21.2.
Variant type: single nucleotide variant.
Coding change: c.360C>G on transcript NM_005359.6 (MANE Select); coding-DNA position 360, C replaced by G.
Protein change: p.Asp120Glu; replaces aspartic acid 120 with glutamic acid.
Molecular consequence: missense variant.
Genome position (GRCh38, 1-based): chr18:51,048,796, C>G. VCF-style: chr18-51048796-C-G. GRCh37 (hg19) VCF-style: chr18-48575166-C-G.
Other names: short protein forms D120E.
Identifiers: ClinVar variation 1026351 (VCV001026351.8), dbSNP rs1599182483, ClinGen allele CA402458531.

ClinVar aggregate classification (germline): Uncertain significance (1 of 4 stars; one submission).

Conditions:
Juvenile polyposis syndrome (JPS). Identifiers: Orphanet 2929, MedGen C0345893, MONDO:0017380, OMIM 174900.

Submission:

Labcorp Genetics (formerly Invitae), Labcorp
Classification: Uncertain significance for Juvenile polyposis syndrome. Last evaluated: 2020-07-02. Review status: criteria provided, single submitter. Criteria: Invitae Variant Classification Sherloc (09022015). Collection method: clinical testing. Allele origin: germline.
Comment: This variant has not been reported in the literature in individuals with SMAD4-related conditions. This sequence change replaces aspartic acid with glutamic acid at codon 120 of the SMAD4 protein (p.Asp120Glu). The aspartic acid residue is highly conserved and there is a small physicochemical difference between aspartic acid and glutamic acid. This variant is not present in population databases (ExAC no frequency). Algorithms developed to predict the effect of missense changes on protein structure and function are either unavailable or do not agree on the potential impact of this missense change (SIFT: "Tolerated"; PolyPhen-2: "Possibly Damaging"; Align-GVGD: "Class C0"). In summary, the available evidence is currently insufficient to determine the role of this variant in disease. Therefore, it has been classified as a Variant of Uncertain Significance.